The following is an entry in ClinVar:

ClinVar aggregate classification (germline): Uncertain significance (1 of 4 stars; one submission).

Conditions:
Gastrointestinal stromal tumor. Also called: Gastrointestinal stromal tumor, somatic; Gastrointestinal stroma tumor. Identifiers: Orphanet 44890, MedGen C0238198, MeSH D046152, MONDO:0011719, OMIM 606764, HP:0100723.

Submission:

Labcorp Genetics (formerly Invitae), Labcorp
Classification: Uncertain significance for Gastrointestinal stromal tumor. Last evaluated: 2024-07-11. Review status: criteria provided, single submitter. Criteria: Invitae Variant Classification Sherloc (09022015). Collection method: clinical testing. Allele origin: germline.
Comment: This sequence change replaces glutamic acid, which is acidic and polar, with aspartic acid, which is acidic and polar, at codon 113 of the PDGFRA protein (p.Glu113Asp). This variant is not present in population databases (gnomAD no frequency). This variant has not been reported in the literature in individuals affected with PDGFRA-related conditions. Advanced modeling of protein sequence and biophysical properties (such as structural, functional, and spatial information, amino acid conservation, physicochemical variation, residue mobility, and thermodynamic stability) performed at Invitae indicates that this missense variant is not expected to disrupt PDGFRA protein function with a negative predictive value of 80%. In summary, the available evidence is currently insufficient to determine the role of this variant in disease. Therefore, it has been classified as a Variant of Uncertain Significance.

NM_006206.6(PDGFRA):c.339A>T (p.Glu113Asp)

Gene: PDGFRA (platelet derived growth factor receptor alpha; plus strand). Cytogenetic location: 4q12.
Variant type: single nucleotide variant.
Coding change: c.339A>T on transcript NM_006206.6 (MANE Select); coding-DNA position 339, A replaced by T.
Protein change: p.Glu113Asp; replaces glutamic acid 113 with aspartic acid.
Molecular consequence: missense variant.
Genome position (GRCh38, 1-based): chr4:54,261,384, A>T. VCF-style: chr4-54261384-A-T. GRCh37 (hg19) VCF-style: chr4-55127551-A-T.
Other names: c.339A>T, p.Glu113Asp (NM_001347827.2, NM_001347829.2); c.414A>T, p.Glu138Asp (NM_001347828.2); c.378A>T, p.Glu126Asp (NM_001347830.2); short protein forms E113D, E138D, E126D.
Identifiers: ClinVar variation 3659187 (VCV003659187.2).